The following is an entry in ClinVar:

ClinVar aggregate classification (germline): Uncertain significance. Review status: criteria provided, multiple submitters, no conflicts (2 of 4 stars). 2 submissions from 2 submitters: Uncertain significance (2). Last evaluated 2025-07-14.

Conditions:
Developmental and epileptic encephalopathy, 42 (DEE42A). Also called: DEVELOPMENTAL AND EPILEPTIC ENCEPHALOPATHY 42A; EPILEPTIC ENCEPHALOPATHY, EARLY INFANTILE, 42A; Epileptic encephalopathy, early infantile, 42. Identifiers: MedGen C4310716, MONDO:0014917, OMIM 617106.
Episodic ataxia type 2 (EA2). Also called: ATAXIA, EPISODIC, WITH NYSTAGMUS; ATAXIA, FAMILIAL PAROXYSMAL; CEREBELLAR ATAXIA, PAROXYSMAL, ACETAZOLAMIDE-RESPONSIVE; ACETAZOLAMIDE-RESPONSIVE HEREDITARY PAROXYSMAL CEREBELLAR ATAXIA; CEREBELLOPATHY, HEREDITARY PAROXYSMAL; EPISODIC ATAXIA, NYSTAGMUS-ASSOCIATED. Identifiers: Orphanet 97, MedGen C1720416, MONDO:0007163, OMIM 108500.
Inborn genetic diseases. Identifiers: MedGen C0950123, MeSH D030342.

Allele frequency attached by ClinVar (database versions not stated): gnomAD exomes 0.00001 and below 0.00001; TOPMed below 0.00001.
gnomAD v4.1: 2 of 1,577,784 alleles (0.00013%); highest among the groups gnomAD compares: Non-Finnish European, 0.00017%; no homozygotes.

Submissions (2):

Labcorp Genetics (formerly Invitae), Labcorp
Classification: Uncertain significance for Developmental and epileptic encephalopathy, 42; Episodic ataxia type 2. Last evaluated: 2025-07-14. Review status: criteria provided, single submitter. Criteria: Invitae Variant Classification Sherloc (09022015). Collection method: clinical testing. Allele origin: germline.
Comment: This sequence change replaces arginine, which is basic and polar, with tryptophan, which is neutral and slightly polar, at codon 881 of the CACNA1A protein (p.Arg881Trp). This variant is present in population databases (no rsID available, gnomAD 0.001%). This variant has not been reported in the literature in individuals affected with CACNA1A-related conditions. ClinVar contains an entry for this variant (Variation ID: 959130). Invitae Evidence Modeling of protein sequence and biophysical properties (such as structural, functional, and spatial information, amino acid conservation, physicochemical variation, residue mobility, and thermodynamic stability) indicates that this missense variant is not expected to disrupt CACNA1A protein function with a negative predictive value of 95%. In summary, the available evidence is currently insufficient to determine the role of this variant in disease. Therefore, it has been classified as a Variant of Uncertain Significance.

Ambry Genetics
Classification: Uncertain significance for Inborn genetic diseases. Last evaluated: 2023-12-28. Review status: criteria provided, single submitter. Criteria: Ambry Variant Classification Scheme 2023. Collection method: clinical testing. Allele origin: germline.

NM_001127222.2(CACNA1A):c.2638C>T (p.Arg880Trp)

Gene: CACNA1A (calcium voltage-gated channel subunit alpha1 A; minus strand). Cytogenetic location: 19p13.13.
Variant type: single nucleotide variant.
Coding change: c.2638C>T on transcript NM_001127222.2 (MANE Select); coding-DNA position 2638, C replaced by T.
Protein change: p.Arg880Trp; replaces arginine 880 with tryptophan.
Molecular consequence: missense variant.
Genome position (GRCh38, 1-based): chr19:13,298,995, G>A on the plus strand (C>T on the coding strand, the complement: CACNA1A is on the minus strand). VCF-style: chr19-13298995-G-A. GRCh37 (hg19) VCF-style: chr19-13409809-G-A.
Other names: c.2650C>T, p.Arg884Trp (NM_000068.4, NM_023035.3); c.2641C>T, p.Arg881Trp (NM_001127221.2, NM_001174080.2); short protein forms R884W, R880W, R881W.
Identifiers: ClinVar variation 959130 (VCV000959130.11), dbSNP rs1408152396, ClinGen allele CA404343027.